The following is an entry in ClinVar:

NM_002150.3(HPD):c.727C>T (p.Pro243Ser)

Genes: HPD (4-hydroxyphenylpyruvate dioxygenase; minus strand), TIALD (transcript inducer of AURKA lysosomal degradation; plus strand). Cytogenetic location: 12q24.31.
Variant type: single nucleotide variant.
Coding change: c.727C>T on transcript NM_002150.3 (MANE Select); coding-DNA position 727, C replaced by T.
Protein change: p.Pro243Ser; replaces proline 243 with serine.
Molecular consequence: missense variant.
Genome position (GRCh38, 1-based): chr12:121,847,084, G>A on the plus strand (C>T on the coding strand, the complement: HPD is on the minus strand). VCF-style: chr12-121847084-G-A. GRCh37 (hg19) VCF-style: chr12-122284990-G-A.
Other names: c.610C>T, p.Pro204Ser (NM_001171993.2); short protein forms P204S, P243S.
Identifiers: ClinVar variation 3775906 (VCV003775906.1).

ClinVar aggregate classification (germline): Uncertain significance (1 of 4 stars; one submission).

Conditions:
Hawkinsinuria. Identifiers: Orphanet 2118, MedGen C2931042, MONDO:0007700, OMIM 140350, HP:0034457.

Submission:

3billion
Classification: Uncertain significance for Hawkinsinuria. Last evaluated: 2023-08-23. Review status: criteria provided, single submitter. Criteria: ACMG Guidelines, 2015. Collection method: clinical testing. Allele origin: germline. Affected: yes.
Comment: The variant is not observed in the gnomAD v2.1.1 dataset. Predicted Consequence/Location: Protein truncation variants are a common disease-causing mechanism. Therefore, this variant is classified as VUS according to the recommendation of ACMG/AMP guideline.